The following is an entry in ClinVar:

ClinVar aggregate classification (germline): Uncertain significance. Review status: criteria provided, multiple submitters, no conflicts (2 of 4 stars). 2 submissions from 2 submitters: Uncertain significance (2). Last evaluated 2025-10-21.

Conditions:
Inborn genetic diseases. Identifiers: MedGen C0950123, MeSH D030342.

Allele frequency attached by ClinVar (database versions not stated): TOPMed 0.00002; gnomAD exomes 0.00003; ExAC 0.00001; gnomAD 0.00002; ESP Exome Variant Server 0.00015.
gnomAD v4.1: 46 of 1,614,086 alleles (0.0028%); highest among the groups gnomAD compares: Non-Finnish European, 0.0039%; no homozygotes.

Submissions (2):

Ambry Genetics
Classification: Uncertain significance for Inborn genetic diseases. Last evaluated: 2025-10-21. Review status: criteria provided, single submitter. Criteria: Ambry Variant Classification Scheme 2023. Collection method: clinical testing. Allele origin: germline.

Labcorp Genetics (formerly Invitae), Labcorp
Classification: Uncertain significance. Last evaluated: 2023-04-15. Review status: criteria provided, single submitter. Criteria: Invitae Variant Classification Sherloc (09022015). Collection method: clinical testing. Allele origin: germline.
Comment: This sequence change replaces threonine, which is neutral and polar, with alanine, which is neutral and non-polar, at codon 1244 of the VCAN protein (p.Thr1244Ala). This variant is present in population databases (rs368704321, gnomAD 0.004%). This variant has not been reported in the literature in individuals affected with VCAN-related conditions. ClinVar contains an entry for this variant (Variation ID: 2013054). Algorithms developed to predict the effect of missense changes on protein structure and function output the following: SIFT: "Not Available"; PolyPhen-2: "Benign"; Align-GVGD: "Not Available". The alanine amino acid residue is found in multiple mammalian species, which suggests that this missense change does not adversely affect protein function. In summary, the available evidence is currently insufficient to determine the role of this variant in disease. Therefore, it has been classified as a Variant of Uncertain Significance.

NM_004385.5(VCAN):c.3730A>G (p.Thr1244Ala)

Gene: VCAN (versican; plus strand). Cytogenetic location: 5q14.3.
Variant type: single nucleotide variant.
Coding change: c.3730A>G on transcript NM_004385.5 (MANE Select); coding-DNA position 3730, A replaced by G.
Protein change: p.Thr1244Ala; replaces threonine 1244 with alanine.
Molecular consequence: missense variant. On other transcripts: intron variant (2).
Genome position (GRCh38, 1-based): chr5:83,522,036, A>G. VCF-style: chr5-83522036-A-G. GRCh37 (hg19) VCF-style: chr5-82817855-A-G.
Other names: c.3730A>G (NM_004385.4); c.3730A>G, p.Thr1244Ala (NM_001164098.2); c.1042+9640A>G (NM_001164097.2, NM_001126336.3); short protein forms T1244A.
Identifiers: ClinVar variation 2013054 (VCV002013054.5), dbSNP rs368704321, ClinGen allele CA3333049.
Genomic context (GRCh38, chr5:83,522,036, plus strand): 5'-AAGCCATCTTCCGCGATCACTAAGAAACCACCTCTCATCGACAGGGAACCTGGTGAAGAA[A>G]CAACCAGTGACATGGTAATCATTGGAGAATCAACATCTCATGTTCCTCCCACTACCCTTG-3'
Protein context (NP_004376.2, residues 1234-1254): PLIDREPGEE[Thr1244Ala]TSDMVIIGES